The following is an entry in ClinVar:

ClinVar aggregate classification (germline): Uncertain significance (1 of 4 stars; one submission).

Submission:

Labcorp Genetics (formerly Invitae), Labcorp
Classification: Uncertain significance. Last evaluated: 2022-07-26. Review status: criteria provided, single submitter. Criteria: Invitae Variant Classification Sherloc (09022015). Collection method: clinical testing. Allele origin: germline.
Comment: This sequence change replaces alanine, which is neutral and non-polar, with valine, which is neutral and non-polar, at codon 645 of the ATP1A1 protein (p.Ala645Val). This variant is not present in population databases (gnomAD no frequency). This variant has not been reported in the literature in individuals affected with ATP1A1-related conditions. ClinVar contains an entry for this variant (Variation ID: 1447672). Advanced modeling of protein sequence and biophysical properties (such as structural, functional, and spatial information, amino acid conservation, physicochemical variation, residue mobility, and thermodynamic stability) performed at Invitae indicates that this missense variant is not expected to disrupt ATP1A1 protein function. In summary, the available evidence is currently insufficient to determine the role of this variant in disease. Therefore, it has been classified as a Variant of Uncertain Significance.

NM_000701.8(ATP1A1):c.1934C>T (p.Ala645Val)

Genes: ATP1A1 (ATPase Na+/K+ transporting subunit alpha 1; plus strand), ATP1A1-AS1 (ATP1A1 antisense RNA 1; minus strand). Cytogenetic location: 1p13.1.
Variant type: single nucleotide variant.
Coding change: c.1934C>T on transcript NM_000701.8 (MANE Select); coding-DNA position 1934, C replaced by T.
Protein change: p.Ala645Val; replaces alanine 645 with valine.
Molecular consequence: missense variant.
Genome position (GRCh38, 1-based): chr1:116,396,695, C>T. VCF-style: chr1-116396695-C-T. GRCh37 (hg19) VCF-style: chr1-116939317-C-T.
Other names: c.1934C>T, p.Ala645Val (NM_001160233.2); c.1841C>T, p.Ala614Val (NM_001160234.2); short protein forms A614V, A645V.
Identifiers: ClinVar variation 1447672 (VCV001447672.6), dbSNP rs2101057973, ClinGen allele CA341772235.